The following is an entry in ClinVar:

ClinVar aggregate classification (germline): Uncertain significance (1 of 4 stars; one submission).

Submission:

Labcorp Genetics (formerly Invitae), Labcorp
Classification: Uncertain significance. Last evaluated: 2025-03-24. Review status: criteria provided, single submitter. Criteria: Invitae Variant Classification Sherloc (09022015). Collection method: clinical testing. Allele origin: germline.
Comment: This sequence change replaces methionine, which is neutral and non-polar, with isoleucine, which is neutral and non-polar, at codon 162 of the USH2A protein (p.Met162Ile). This variant is not present in population databases (gnomAD no frequency). This variant has not been reported in the literature in individuals affected with USH2A-related conditions. An algorithm developed to predict the effect of missense changes on protein structure and function (PolyPhen-2) suggests that this variant is likely to be disruptive. In summary, the available evidence is currently insufficient to determine the role of this variant in disease. Therefore, it has been classified as a Variant of Uncertain Significance.

NM_206933.4(USH2A):c.486G>A (p.Met162Ile)

Gene: USH2A (usherin; minus strand). Cytogenetic location: 1q41.
Variant type: single nucleotide variant.
Coding change: c.486G>A on transcript NM_206933.4 (MANE Select); coding-DNA position 486, G replaced by A.
Protein change: p.Met162Ile; replaces methionine 162 with isoleucine.
Molecular consequence: missense variant.
Genome position (GRCh38, 1-based): chr1:216,418,679, C>T on the plus strand (G>A on the coding strand, the complement: USH2A is on the minus strand). VCF-style: chr1-216418679-C-T. GRCh37 (hg19) VCF-style: chr1-216592021-C-T.
Other names: c.486G>A, p.Met162Ile (NM_007123.6); short protein forms M162I.
Identifiers: ClinVar variation 4768417 (VCV004768417.1).
Genomic context (GRCh38, chr1:216,418,679, plus strand): 5'-TTTCTCAGATATTGTAAGTTTGAACACAATCTGCCCATCTACTGTCTTTTCTATAACACA[C>T]CTTAGGAAGCAACCGGAAAAGAGAGAAAAGGTCAGCATCCAACCAAAAAGACATGCTAAG-3'
Protein context (NP_996816.3, residues 152-172): VWLKPEQQGV[Met162Ile]CVIEKTVDGQ